The following is an entry in ClinVar:

NM_005228.5(EGFR):c.3283C>T (p.Gln1095Ter)

Gene: EGFR (epidermal growth factor receptor; plus strand). Cytogenetic location: 7p11.2.
Variant type: single nucleotide variant.
Coding change: c.3283C>T on transcript NM_005228.5 (MANE Select); coding-DNA position 3283, C replaced by T.
Protein change: p.Gln1095Ter; replaces glutamine 1095 with a stop codon.
Molecular consequence: nonsense.
Genome position (GRCh38, 1-based): chr7:55,205,267, C>T. VCF-style: chr7-55205267-C-T. GRCh37 (hg19) VCF-style: chr7-55272960-C-T.
Other names: c.3148C>T, p.Gln1050Ter (NM_001346899.2); c.3124C>T, p.Gln1042Ter (NM_001346900.2); c.2482C>T, p.Gln828Ter (NM_001346941.2); short protein forms Q1042*, Q1050*, Q1095*, Q828*.
Identifiers: ClinVar variation 2046040 (VCV002046040.4), dbSNP rs2128975088, ClinGen allele CA367584286.
Genomic context (GRCh38, chr7:55,205,267, plus strand): 5'-GGATGGTGCTTTGCTGATTACTTCACCTCTGATTTCTTTCCACTTTCAGAATACATAAAC[C>T]AGTCCGTTCCCAAAAGGCCCGCTGGCTCTGTGCAGAATCCTGTCTATCACAATCAGCCTC-3'

ClinVar aggregate classification (germline): Uncertain significance (1 of 4 stars; one submission).

Conditions:
EGFR-related lung cancer (EGFR). Identifiers: MedGen CN130014.

Submission:

Labcorp Genetics (formerly Invitae), Labcorp
Classification: Uncertain significance for EGFR-related lung cancer. Last evaluated: 2021-12-18. Review status: criteria provided, single submitter. Criteria: Invitae Variant Classification Sherloc (09022015). Collection method: clinical testing. Allele origin: germline.
Comment: In summary, the available evidence is currently insufficient to determine the role of this variant in disease. Therefore, it has been classified as a Variant of Uncertain Significance. This variant has not been reported in the literature in individuals affected with EGFR-related conditions. This variant is not present in population databases (gnomAD no frequency). This sequence change creates a premature translational stop signal (p.Gln1095*) in the EGFR gene. While this is not anticipated to result in nonsense mediated decay, it is expected to disrupt the last 116 amino acid(s) of the EGFR protein.